The following is an entry in ClinVar:

NM_005173.4(ATP2A3):c.*14A>G

Gene: ATP2A3 (ATPase sarcoplasmic/endoplasmic reticulum Ca2+ transporting 3; minus strand). Cytogenetic location: 17p13.2.
Variant type: single nucleotide variant.
Coding change: c.*14A>G on transcript NM_005173.4 (MANE Select); 14 bases downstream of the stop codon, A replaced by G.
Molecular consequence: 3 prime UTR variant. On other transcripts: synonymous variant (1).
Genome position (GRCh38, 1-based): chr17:3,925,408, T>C on the plus strand (A>G on the coding strand, the complement: ATP2A3 is on the minus strand). VCF-style: chr17-3925408-T-C. GRCh37 (hg19) VCF-style: chr17-3828702-T-C.
Other names: c.*14A>G (NM_174953.3, NM_174957.3); c.*25A>G (NM_174954.3, NM_174956.3, NM_174958.3); c.3102A>G, p.Arg1034= (NM_174955.3).
Identifiers: ClinVar variation 3059152 (VCV003059152.2), dbSNP rs887387, ClinGen allele CA8296589.
Genomic context (GRCh38, chr17:3,925,408, plus strand): 5'-TGGGGGGCGGAGGCGAACACATGGGCACCATCAGTCTGAGGTACACACCGGAGACTCCAC[T>C]CTGTTCCCAGCGCTCACTTCTGGCTCATTTCTTCTGGAAGAAAAACCCAAGAGCGCGTTA-3'

ClinVar aggregate classification (germline): Benign (0 of 4 stars; one submission).

Conditions:
ATP2A3-related disorder. Also called: ATP2A3-related condition.

Allele frequency attached by ClinVar (database versions not stated): 1000 Genomes Project 0.28634; 1000 Genomes Project 30x 0.28732; gnomAD 0.32129; ESP Exome Variant Server 0.32639; TOPMed 0.32928; ExAC 0.35203; gnomAD exomes 0.36066.
gnomAD v4.1: 575,321 of 1,613,220 alleles (36%); highest among the groups gnomAD compares: Admixed American, 43%; 104,242 homozygotes.

Submission:

PreventionGenetics, part of Exact Sciences
Classification: Benign for ATP2A3-related condition. Last evaluated: 2019-10-18. Review status: no assertion criteria provided. Collection method: clinical testing. Allele origin: germline.
Comment: This variant is classified as benign based on ACMG/AMP sequence variant interpretation guidelines (Richards et al. 2015 PMID: 25741868, with internal and published modifications).